The following is an entry in ClinVar:

NM_001165963.4(SCN1A):c.3696T>G (p.Ser1232Arg)

Genes: SCN1A (sodium voltage-gated channel alpha subunit 1; minus strand), LOC102724058 (uncharacterized LOC102724058; plus strand). Cytogenetic location: 2q24.3.
Variant type: single nucleotide variant.
Coding change: c.3696T>G on transcript NM_001165963.4 (MANE Select); coding-DNA position 3696, T replaced by G.
Protein change: p.Ser1232Arg; replaces serine 1232 with arginine.
Molecular consequence: missense variant. On other transcripts: non-coding transcript variant (1).
Genome position (GRCh38, 1-based): chr2:166,013,753, A>C on the plus strand (T>G on the coding strand, the complement: SCN1A is on the minus strand). VCF-style: chr2-166013753-A-C. GRCh37 (hg19) VCF-style: chr2-166870263-A-C.
Other names: c.3612T>G, p.Ser1204Arg (NM_001165964.3, NM_001353957.2, NM_001353958.2); c.3696T>G, p.Ser1232Arg (NM_001202435.3, NM_001353948.2); c.3663T>G, p.Ser1221Arg (NM_001353949.2, NM_001353950.2, NM_001353951.2 and 2 more transcripts); c.3660T>G, p.Ser1220Arg (NM_001353954.2, NM_001353955.2); c.3609T>G, p.Ser1203Arg (NM_001353960.2); c.1254T>G, p.Ser418Arg (NM_001353961.2); short protein forms S1204R, S418R, S1220R, S1203R, S1221R, S1232R.
Identifiers: ClinVar variation 2086222 (VCV002086222.4), dbSNP rs1449457260, ClinGen allele CA349055656.

ClinVar aggregate classification (germline): Pathogenic (1 of 4 stars; one submission).

Conditions:
Early-infantile DEE. Also called: Ohtahara syndrome; Early infantile epileptic encephalopathy with suppression bursts; Early infantile epileptic encephalopathy. Identifiers: Orphanet 1934, MedGen C0393706, MONDO:0800491.

Submission:

Labcorp Genetics (formerly Invitae), Labcorp
Classification: Pathogenic for Early-infantile DEE. Last evaluated: 2023-05-10. Review status: criteria provided, single submitter. Criteria: Invitae Variant Classification Sherloc (09022015). Collection method: clinical testing. Allele origin: germline.
Comment: Advanced modeling of protein sequence and biophysical properties (such as structural, functional, and spatial information, amino acid conservation, physicochemical variation, residue mobility, and thermodynamic stability) performed at Invitae indicates that this missense variant is expected to disrupt SCN1A protein function. ClinVar contains an entry for this variant (Variation ID: 2086222). This missense change has been observed in individual(s) with epilepsy (Invitae). In at least one individual the variant was observed to be de novo. This variant is not present in population databases (gnomAD no frequency). This sequence change replaces serine, which is neutral and polar, with arginine, which is basic and polar, at codon 1232 of the SCN1A protein (p.Ser1232Arg). For these reasons, this variant has been classified as Pathogenic.